The following is an entry in ClinVar:

ClinVar aggregate classification (germline): Pathogenic. Review status: criteria provided, multiple submitters, no conflicts (2 of 4 stars). 3 submissions from 3 submitters: Pathogenic (2). 1 of the submissions does not count toward it. Last evaluated 2022-08-30.

Conditions:
Cohen syndrome (COH1). Also called: PEPPER SYNDROME; Cutis verticis gyrata, retinitis pigmentosa, and sensorineural deafness. Identifiers: Orphanet 193, MedGen C0265223, MONDO:0008999, OMIM 216550.

Submissions (4):

Labcorp Genetics (formerly Invitae), Labcorp
Classification: Pathogenic for Cohen syndrome. Last evaluated: 2022-08-30. Review status: criteria provided, single submitter. Criteria: Invitae Variant Classification Sherloc (09022015). Collection method: clinical testing. Allele origin: germline.
Comment: Algorithms developed to predict the effect of sequence changes on RNA splicing suggest that this variant may disrupt the consensus splice site. ClinVar contains an entry for this variant (Variation ID: 132795). Studies have shown that disruption of this splice site alters VPS13B gene expression (PMID: 24311531). For these reasons, this variant has been classified as Pathogenic. This sequence change affects a donor splice site in intron 57 of the VPS13B gene. It is expected to disrupt RNA splicing. Variants that disrupt the donor or acceptor splice site typically lead to a loss of protein function (PMID: 16199547), and loss-of-function variants in VPS13B are known to be pathogenic (PMID: 15141358, 16648375, 20461111). This variant is not present in population databases (gnomAD no frequency). Disruption of this splice site has been observed in individual(s) with clinical features of Cohen syndrome (PMID: 24311531). In at least one individual the data is consistent with being in trans (on the opposite chromosome) from a pathogenic variant. This variant is also known as IVS57+2T>C.

Juno Genomics, Hangzhou Juno Genomics, Inc
Classification: Pathogenic for Cohen syndrome. Review status: criteria provided, single submitter. Criteria: ACMG Guidelines, 2015. Collection method: clinical testing. Allele origin: germline.
Comment: Absent from controls (or at extremely low frequency if recessive) in Genome Aggregation Database.;Null variant in a gene where loss of function (LOF) is a known mechanism of disease.;For recessive disorders, detected in trans with a pathogenic variant.

OMIM
Classification: Pathogenic for COHEN SYNDROME. Last evaluated: 2014-02-01. Review status: no assertion criteria provided. Collection method: literature only. Allele origin: germline. Not counted in ClinVar's aggregate classification.

Dr. Peter K. Rogan Lab, Western University
No classification provided (evidence only). Condition: Ovarian serous cystadenocarcinoma. Review status: no classification provided. Collection method: in vitro. Allele origin: not applicable. Functional consequence: retained intron. Not counted in ClinVar's aggregate classification.

Literature cited by the submitters: PubMed 24311531 (cited by Labcorp Genetics (formerly Invitae), Labcorp and OMIM); PubMed 16199547 (cited by Labcorp Genetics (formerly Invitae), Labcorp); PubMed 15141358 (cited by Labcorp Genetics (formerly Invitae), Labcorp); PubMed 16648375 (cited by Labcorp Genetics (formerly Invitae), Labcorp); PubMed 20461111 (cited by Labcorp Genetics (formerly Invitae), Labcorp).

NM_152564.5(VPS13B):c.11044+2T>C

Gene: VPS13B (vacuolar protein sorting 13 homolog B; plus strand). Cytogenetic location: 8q22.2.
Variant type: single nucleotide variant.
Coding change: c.11044+2T>C on transcript NM_152564.5 (MANE Select); the canonical splice donor site of the intron after coding-DNA position 11044, T replaced by C.
Molecular consequence: splice donor variant.
Genome position (GRCh38, 1-based): chr8:99,859,482, T>C. VCF-style: chr8-99859482-T-C. GRCh37 (hg19) VCF-style: chr8-100871710-T-C.
Other names: IVS57, T-C, +2; c.11119+2T>C (NM_017890.5).
Identifiers: ClinVar variation 132795 (VCV000132795.9), dbSNP rs587777382, ClinGen allele CA269815.